The following is an entry in ClinVar:

ClinVar aggregate classification (germline): Uncertain significance. Review status: criteria provided, multiple submitters, no conflicts (2 of 4 stars). 3 submissions from 3 submitters: Uncertain significance (3). Last evaluated 2023-10-02.

Conditions:
Inborn genetic diseases. Identifiers: MedGen C0950123, MeSH D030342.
Corneal dystrophy. Identifiers: Orphanet 34533, MedGen C0010036, MONDO:0018102, HP:0001131.

Allele frequency attached by ClinVar (database versions not stated): gnomAD 0.00006; ESP Exome Variant Server 0.00008; TOPMed 0.00008.
gnomAD v4.1: 72 of 1,613,822 alleles (0.0045%); highest among the groups gnomAD compares: Middle Eastern, 0.049%; no homozygotes.

Submissions (3):

Ambry Genetics
Classification: Uncertain significance for Inborn genetic diseases. Last evaluated: 2023-10-02. Review status: criteria provided, single submitter. Criteria: Ambry Variant Classification Scheme 2023. Collection method: clinical testing. Allele origin: germline.

Labcorp Genetics (formerly Invitae), Labcorp
Classification: Uncertain significance. Last evaluated: 2021-08-28. Review status: criteria provided, single submitter. Criteria: Invitae Variant Classification Sherloc (09022015). Collection method: clinical testing. Allele origin: germline.
Comment: This sequence change replaces asparagine with serine at codon 86 of the SLC4A11 protein (p.Asn86Ser). The asparagine residue is moderately conserved and there is a small physicochemical difference between asparagine and serine. This variant is present in population databases (rs371191159, ExAC 0.03%). This variant has not been reported in the literature in individuals affected with SLC4A11-related conditions. Algorithms developed to predict the effect of missense changes on protein structure and function (SIFT, PolyPhen-2, Align-GVGD) all suggest that this variant is likely to be tolerated. Algorithms developed to predict the effect of sequence changes on RNA splicing suggest that this variant may create or strengthen a splice site. In summary, the available evidence is currently insufficient to determine the role of this variant in disease. Therefore, it has been classified as a Variant of Uncertain Significance.

Illumina Laboratory Services, Illumina
Classification: Uncertain significance for Corneal dystrophy. Last evaluated: 2018-01-13. Review status: criteria provided, single submitter. Criteria: ICSL Variant Classification Criteria 13 December 2019. Collection method: clinical testing. Allele origin: germline.

NM_001174089.2(SLC4A11):c.209A>G (p.Asn70Ser)

Gene: SLC4A11 (solute carrier family 4 member 11; minus strand). Cytogenetic location: 20p13.
Variant type: single nucleotide variant.
Coding change: c.209A>G on transcript NM_001174089.2 (MANE Select); coding-DNA position 209, A replaced by G.
Protein change: p.Asn70Ser; replaces asparagine 70 with serine.
Molecular consequence: missense variant. On other transcripts: non-coding transcript variant (1).
Genome position (GRCh38, 1-based): chr20:3,234,774, T>C on the plus strand (A>G on the coding strand, the complement: SLC4A11 is on the minus strand). VCF-style: chr20-3234774-T-C. GRCh37 (hg19) VCF-style: chr20-3215420-T-C.
Other names: c.338A>G, p.Asn113Ser (NM_001174090.2); c.209A>G, p.Asn70Ser (NM_001363745.2); c.257A>G, p.Asn86Ser (NM_032034.4); short protein forms N70S, N86S, N113S.
Identifiers: ClinVar variation 896609 (VCV000896609.6), dbSNP rs371191159, ClinGen allele CA9742419.